The following is an entry in ClinVar:

ClinVar aggregate classification (germline): Likely benign. Review status: criteria provided, multiple submitters, no conflicts (2 of 4 stars). 2 submissions from 2 submitters: Likely benign (2). Last evaluated 2023-11-30.

Allele frequency attached by ClinVar (database versions not stated): gnomAD 0.00002; gnomAD exomes 0.00002; TOPMed 0.00002; ExAC 0.00003.
gnomAD v4.1: 28 of 1,613,458 alleles (0.0017%); highest among the groups gnomAD compares: East Asian, 0.0022%; no homozygotes.

Submissions (2):

Blueprint Genetics
Classification: Likely benign. Last evaluated: 2023-11-30. Review status: criteria provided, single submitter. Criteria: ACMG Guidelines, 2015. Collection method: clinical testing. Allele origin: germline.

CeGaT Center for Human Genetics Tuebingen
Classification: Likely benign. Last evaluated: 2023-07-01. Review status: criteria provided, single submitter. Criteria: CeGaT Center For Human Genetics Tuebingen Variant Classification Criteria Version 2. Collection method: clinical testing. Allele origin: germline. Affected: yes. Observed: 1 variant allele.
Comment: TRAK1: BP4, BP7

NM_001042646.3(TRAK1):c.1671C>T (p.Thr557=)

Gene: TRAK1 (trafficking kinesin protein 1; plus strand). Cytogenetic location: 3p22.1.
Variant type: single nucleotide variant.
Coding change: c.1671C>T on transcript NM_001042646.3 (MANE Select); coding-DNA position 1671, C replaced by T.
Protein change: p.Thr557=; no amino-acid change (threonine 557 retained).
Molecular consequence: synonymous variant. On other transcripts: non-coding transcript variant (1).
Genome position (GRCh38, 1-based): chr3:42,202,679, C>T. VCF-style: chr3-42202679-C-T. GRCh37 (hg19) VCF-style: chr3-42244171-C-T.
Other names: c.1671C>T, p.Thr557= (NM_001265608.2, NM_001349246.2, NM_001349247.2); c.1449C>T, p.Thr483= (NM_001265609.2, NM_001265610.1, NM_001349248.1 and 1 more transcripts); c.1359C>T, p.Thr453= (NM_001349245.1); c.1497C>T, p.Thr499= (NM_001410741.1, NM_014965.5).
Identifiers: ClinVar variation 2653706 (VCV002653706.25), dbSNP rs771616682, ClinGen allele CA2333551.